The following is an entry in ClinVar:

ClinVar aggregate classification (germline): Pathogenic. Review status: criteria provided, multiple submitters, no conflicts (2 of 4 stars). 2 submissions from 2 submitters: Pathogenic (2). Last evaluated 2023-09-19.

Conditions:
Hereditary cancer-predisposing syndrome. Also called: Neoplastic Syndromes, Hereditary; Tumor predisposition; Hereditary Cancer Syndrome; Hereditary neoplastic syndrome. Identifiers: Orphanet 140162, MedGen C0027672, MeSH D009386, MONDO:0015356.
Lynch syndrome 4 (LYNCH4). Also called: Hereditary non-polyposis colorectal cancer, type 4; Colorectal cancer, hereditary nonpolyposis, type 4. Identifiers: Orphanet 144, MedGen C1838333, MONDO:0013699, OMIM 614337. Disease mechanism: loss of function.

Submissions (2):

Myriad Genetics, Inc.
Classification: Pathogenic for Lynch syndrome 4. Last evaluated: 2023-09-19. Review status: criteria provided, single submitter. Criteria: Myriad Autosomal Dominant, Autosomal Recessive and X-Linked Classification Criteria (2023). Collection method: clinical testing. Allele origin: unknown.
Comment: This variant is considered pathogenic. This variant creates a termination codon and is predicted to result in premature protein truncation.

Ambry Genetics
Classification: Pathogenic for Hereditary cancer-predisposing syndrome. Last evaluated: 2020-03-02. Review status: criteria provided, single submitter. Criteria: Ambry Variant Classification Scheme 2023. Collection method: clinical testing. Allele origin: germline.
Comment: The p.S274* pathogenic mutation (also known as c.821C>G), located in coding exon 8 of the PMS2 gene, results from a C to G substitution at nucleotide position 821. This changes the amino acid from a serine to a stop codon within coding exon 8. This alteration is expected to result in loss of function by premature protein truncation or nonsense-mediated mRNA decay. As such, this alteration is interpreted as a disease-causing mutation.

NM_000535.7(PMS2):c.821C>G (p.Ser274Ter)

Gene: PMS2 (PMS1 homolog 2, mismatch repair system component; minus strand). Cytogenetic location: 7p22.1.
Variant type: single nucleotide variant.
Coding change: c.821C>G on transcript NM_000535.7 (MANE Select); coding-DNA position 821, C replaced by G.
Protein change: p.Ser274Ter; replaces serine 274 with a stop codon.
Molecular consequence: nonsense. On other transcripts: 5 prime UTR variant (2), non-coding transcript variant (1).
Genome position (GRCh38, 1-based): chr7:5,995,616, G>C on the plus strand (C>G on the coding strand, the complement: PMS2 is on the minus strand). VCF-style: chr7-5995616-G-C. GRCh37 (hg19) VCF-style: chr7-6035247-G-C.
Other names: c.845C>G, p.Ser282Ter (NM_001406868.1); c.713C>G, p.Ser238Ter (NM_001406869.1); c.821C>G, p.Ser274Ter (NM_001406871.1, NM_001406870.1, NM_001322006.2 and 2 more transcripts); c.1007C>G, p.Ser336Ter (NM_001406866.1); c.416C>G, p.Ser139Ter (NM_001018040.1, NM_001322003.2, NM_001322004.2 and 20 more transcripts); c.503C>G, p.Ser168Ter (NM_001322007.2, NM_001322008.2, NM_001406876.1 and 4 more transcripts); c.-113C>G (NM_001322011.2, NM_001322012.2); c.248C>G, p.Ser83Ter (NM_001322013.2, NM_001406909.1); and 4 more; short protein forms S218*, S171*, S274*, S103*, S162*, S168*, S282*, S83*.
Identifiers: ClinVar variation 1762504 (VCV001762504.3), dbSNP rs2536155330, ClinGen allele CA366743548.